The following is an entry in ClinVar:

ClinVar aggregate classification (germline): Conflicting classifications of pathogenicity. Review status: criteria provided, conflicting classifications (1 of 4 stars). 3 submissions from 3 submitters: Uncertain significance (1); Likely benign (2). Last evaluated 2026-01-28.

Conditions:
Propionic acidemia (PROP). Also called: GLYCINEMIA, KETOTIC; HYPERGLYCINEMIA WITH KETOACIDOSIS AND LEUKOPENIA; KETOTIC HYPERGLYCINEMIA. Identifiers: Orphanet 35, MedGen C0268579, MONDO:0011628, OMIM 606054, HP:0003571.
PCCA-related disorder. Also called: PCCA-related condition.

Allele frequency attached by ClinVar (database versions not stated): gnomAD exomes 0.00002; ExAC 0.00004; gnomAD 0.00006; ESP Exome Variant Server 0.00008; TOPMed 0.00008; 1000 Genomes Project 0.00020; 1000 Genomes Project 30x 0.00031.
gnomAD v4.1: 46 of 1,614,032 alleles (0.0029%); highest among the groups gnomAD compares: Admixed American, 0.033%; no homozygotes.

Submissions (3):

Labcorp Genetics (formerly Invitae), Labcorp
Classification: Likely benign for Propionic acidemia. Last evaluated: 2026-01-28. Review status: criteria provided, single submitter. Criteria: Invitae Variant Classification Sherloc (09022015). Collection method: clinical testing. Allele origin: germline.

PreventionGenetics, part of Exact Sciences
Classification: Likely benign for PCCA-related condition. Last evaluated: 2025-07-02. Review status: criteria provided, single submitter. Criteria: ACMG Guidelines, 2015. Collection method: clinical testing. Allele origin: germline.
Comment: This variant is classified as likely benign based on ACMG/AMP sequence variant interpretation guidelines (Richards et al. 2015 PMID: 25741868, with internal and published modifications).

GeneDx
Classification: Uncertain significance. Last evaluated: 2025-02-06. Review status: criteria provided, single submitter. Criteria: GeneDx Variant Classification Process June 2021. Collection method: clinical testing. Allele origin: germline. Affected: yes.
Comment: In silico analysis indicates that this variant does not alter splicing; Has not been previously published as pathogenic or benign to our knowledge

NM_000282.4(PCCA):c.1101G>A (p.Leu367=)

Gene: PCCA (propionyl-CoA carboxylase subunit alpha; plus strand). Cytogenetic location: 13q32.3.
Variant type: single nucleotide variant.
Coding change: c.1101G>A on transcript NM_000282.4 (MANE Select); coding-DNA position 1101, G replaced by A.
Protein change: p.Leu367=; no amino-acid change (leucine 367 retained).
Molecular consequence: synonymous variant. On other transcripts: non-coding transcript variant (5), intron variant (3).
Genome position (GRCh38, 1-based): chr13:100,301,495, G>A. VCF-style: chr13-100301495-G-A. GRCh37 (hg19) VCF-style: chr13-100953749-G-A.
Other names: c.1023G>A, p.Leu341= (NM_001127692.3, NM_001352607.2); c.1101G>A, p.Leu367= (NM_001178004.2, NM_001352605.2, NM_001352609.2); c.156G>A, p.Leu52= (NM_001352610.2, NM_001352611.2); c.1066-1429G>A (NM_001352606.2); c.121-1429G>A (NM_001352612.2); c.988-1429G>A (NM_001352608.2); c.1101G>A (NM_000282.3).
Identifiers: ClinVar variation 2199235 (VCV002199235.6), dbSNP rs186756601, ClinGen allele CA7033509.